The following is an entry in ClinVar:

ClinVar aggregate classification (germline): Uncertain significance (1 of 4 stars; one submission).

Conditions:
Familial thoracic aortic aneurysm and aortic dissection (TAAD). Also called: Thoracic aortic aneurysms and dissections. Identifiers: Orphanet 91387, MedGen C4707243, MONDO:0019625.

Submission:

All of Us Research Program, National Institutes of Health
Classification: Uncertain significance for Familial thoracic aortic aneurysm and aortic dissection. Last evaluated: 2023-05-16. Review status: criteria provided, single submitter. Criteria: ACMG Guidelines, 2015. Collection method: clinical testing. Allele origin: germline. Inheritance: Autosomal dominant inheritance. Observed: 1 variant allele, 1 heterozygote.
Comment: This variant causes a T to G nucleotide substitution at the -5 position of intron 30 of the MYH11 gene. To our knowledge, functional studies have not been reported for this variant. This variant has not been reported in individuals affected with MYH11-related disorders in the literature. This variant has not been identified in the general population by the Genome Aggregation Database (gnomAD). The available evidence is insufficient to determine the role of this variant in disease conclusively. Therefore, this variant is classified as a Variant of Uncertain Significance.

This study involves interpretation of variants in research participants for the purpose of population health screening. Participant phenotype was not available at the time of variant classification. Additional details can be found in publication PMID: 35346344, PMCID: PMC8962531

NM_002474.3(MYH11):c.3964-5T>G

Genes: NDE1 (nudE neurodevelopment protein 1; plus strand), MYH11 (myosin heavy chain 11; minus strand). Cytogenetic location: 16p13.11.
Variant type: single nucleotide variant.
Coding change: c.3964-5T>G on transcript NM_002474.3 (MANE Select); 5 bases into the intron before coding-DNA position 3964, T replaced by G.
Molecular consequence: intron variant. On other transcripts: 3 prime UTR variant (2).
Genome position (GRCh38, 1-based): chr16:15,724,804, A>C on the plus strand (T>G on the coding strand, the complement: MYH11 is on the minus strand). VCF-style: chr16-15724804-A-C. GRCh37 (hg19) VCF-style: chr16-15818661-A-C.
Other names: c.*553A>C (NM_001143979.2, NM_017668.3); c.3964-5T>G (NM_022844.3); c.3985-5T>G (NM_001040114.2, NM_001040113.2).
Identifiers: ClinVar variation 3070996 (VCV003070996.1), dbSNP rs2151219534, ClinGen allele CA2825002388.